The following is an entry in ClinVar:

ClinVar aggregate classification (germline): Conflicting classifications of pathogenicity. Review status: criteria provided, conflicting classifications (1 of 4 stars). 4 submissions from 4 submitters: Uncertain significance (3); Likely benign (1). Last evaluated 2023-11-14.

Conditions:
Hereditary cancer-predisposing syndrome. Also called: Neoplastic Syndromes, Hereditary; Tumor predisposition; Hereditary Cancer Syndrome; Hereditary neoplastic syndrome. Identifiers: Orphanet 140162, MedGen C0027672, MeSH D009386, MONDO:0015356.
Hereditary breast ovarian cancer syndrome. Also called: Hereditary breast and ovarian cancer syndrome; BRCA1- and BRCA2-Associated Hereditary Breast and Ovarian Cancer; Hereditary breast and ovarian cancer; Hereditary breast and ovarian cancer syndrome (HBOC); Breast and ovarian cancer; Hereditary breast and/or ovarian cancer syndrome. Identifiers: Orphanet 145, MedGen C0677776, MeSH D061325, MONDO:0003582. Disease mechanism: loss of function.

Allele frequency attached by ClinVar (database versions not stated): gnomAD exomes below 0.00001.
gnomAD v4.1: 1 of 1,614,114 alleles (0.000062%); highest among the groups gnomAD compares: South Asian, 0.0011%; no homozygotes.

Submissions (4):

Ambry Genetics
Classification: Uncertain significance for Hereditary cancer-predisposing syndrome. Last evaluated: 2023-11-14. Review status: criteria provided, single submitter. Criteria: Ambry Variant Classification Scheme 2023. Collection method: clinical testing. Allele origin: germline.
Comment: The p.S1191G variant (also known as c.3571A>G), located in coding exon 9 of the BRCA1 gene, results from an A to G substitution at nucleotide position 3571. The serine at codon 1191 is replaced by glycine, an amino acid with similar properties. This amino acid position is well conserved in available vertebrate species. In addition, the in silico prediction for this alteration is inconclusive. Since supporting evidence is limited at this time, the clinical significance of this alteration remains unclear.

University of Washington Department of Laboratory Medicine, University of Washington
Classification: Likely benign for Hereditary cancer-predisposing syndrome. Last evaluated: 2023-03-23. Review status: criteria provided, single submitter. Criteria: Dines et al. (Genet Med. 2020). Collection method: curation. Allele origin: germline.
Comment: Missense variant in a coldspot region where missense variants are very unlikely to be pathogenic (PMID:31911673).

BRCA1 coldspot (exon 11 using historical exon numbering). Reclassification based on statistical prior probability

Labcorp Genetics (formerly Invitae), Labcorp
Classification: Uncertain significance for Hereditary breast ovarian cancer syndrome. Last evaluated: 2022-04-15. Review status: criteria provided, single submitter. Criteria: Invitae Variant Classification Sherloc (09022015). Collection method: clinical testing. Allele origin: germline.
Comment: Advanced modeling of protein sequence and biophysical properties (such as structural, functional, and spatial information, amino acid conservation, physicochemical variation, residue mobility, and thermodynamic stability) performed at Invitae indicates that this missense variant is not expected to disrupt BRCA1 protein function. In summary, the available evidence is currently insufficient to determine the role of this variant in disease. Therefore, it has been classified as a Variant of Uncertain Significance. ClinVar contains an entry for this variant (Variation ID: 924367). This variant has not been reported in the literature in individuals affected with BRCA1-related conditions. This variant is not present in population databases (gnomAD no frequency). This sequence change replaces serine, which is neutral and polar, with glycine, which is neutral and non-polar, at codon 1191 of the BRCA1 protein (p.Ser1191Gly).

Color Diagnostics, LLC DBA Color Health
Classification: Uncertain significance for Hereditary cancer-predisposing syndrome. Last evaluated: 2019-09-19. Review status: criteria provided, single submitter. Criteria: ACMG Guidelines, 2015. Collection method: clinical testing. Allele origin: germline.
Comment: This missense variant replaces serine with glycine at codon 1191 of the BRCA1 protein. Computational prediction tool suggests that this variant may not impact protein structure and function (internally defined REVEL score threshold ≤0.5, PMID: 27666373). Splice site prediction tools suggest that this variant may not impact RNA splicing. To our knowledge, functional studies have not been performed for this variant. This variant has not been reported in individuals affected with hereditary cancer in the literature. This variant has not been identified in the general population by the Genome Aggregation Database (gnomAD). The available evidence is insufficient to determine the role of this variant in disease conclusively. Therefore, this variant is classified as a Variant of Uncertain Significance.

NM_007294.4(BRCA1):c.3571A>G (p.Ser1191Gly)

Genes: BRCA1 (BRCA1 DNA repair associated; minus strand), LOC126862571 (BRD4-independent group 4 enhancer GRCh37_chr17:41243136-41244335; plus strand). Cytogenetic location: 17q21.31.
Variant type: single nucleotide variant.
Coding change: c.3571A>G on transcript NM_007294.4 (MANE Select); coding-DNA position 3571, A replaced by G.
Protein change: p.Ser1191Gly; replaces serine 1191 with glycine.
Molecular consequence: missense variant. On other transcripts: intron variant (135).
Genome position (GRCh38, 1-based): chr17:43,091,960, T>C on the plus strand (A>G on the coding strand, the complement: BRCA1 is on the minus strand). VCF-style: chr17-43091960-T-C. GRCh37 (hg19) VCF-style: chr17-41243977-T-C.
Other names: c.3361A>G, p.Ser1121Gly (NM_001407900.1, NM_001407902.1, NM_001407904.1 and 13 more transcripts); c.3358A>G, p.Ser1120Gly (NM_001407916.1, NM_001407915.1, NM_001407917.1 and 9 more transcripts); c.665-928A>G (NM_001408425.1, NM_001408440.1, NM_001408428.1 and 12 more transcripts); c.671-928A>G (NM_001408419.1, NM_001408422.1, NM_001408418.1 and 2 more transcripts); c.788-928A>G (NM_001408403.1, NM_001407983.1, NM_001407975.1 and 17 more transcripts); c.791-937A>G (NM_001408406.1); c.647-928A>G (NM_001408456.1, NM_001408410.1, NM_001408458.1 and 11 more transcripts); c.644-928A>G (NM_001408465.1, NM_001408463.1, NM_001408462.1 and 3 more transcripts); and 41 more; short protein forms S1144G, S1191G, S1064G, S1080G, S1121G, S1123G, S1150G, S1164G.
Identifiers: ClinVar variation 924367 (VCV000924367.12), dbSNP rs2053563998, ClinGen allele CA10594821.
Genomic context (GRCh38, chr17:43,091,960, plus strand): 5'-ACTCTAATTTCTTGGCCCCTCTTCGGTAACCCTGAGCCAAATGTGTATGGGTGAAAGGGC[T>C]AGGACTCCTGCTAAGCTCTCCTTTCTGGACGCTTTTGCTAAAAACAGCAGAACTTTCCTT-3'
Protein context (NP_009225.1, residues 1181-1201): VQKGELSRSP[Ser1191Gly]PFTHTHLAQG